The following is an entry in ClinVar:

ClinVar aggregate classification (germline): Conflicting classifications of pathogenicity. Review status: criteria provided, conflicting classifications (1 of 4 stars). 2 submissions from 2 submitters: Uncertain significance (1); Likely benign (1). Last evaluated 2025-01-31.

Conditions:
Hereditary cancer-predisposing syndrome. Also called: Hereditary Cancer Syndrome; Hereditary neoplastic syndrome; Neoplastic Syndromes, Hereditary; Tumor predisposition. Identifiers: Orphanet 140162, MedGen C0027672, MeSH D009386, MONDO:0015356.

Submissions (2):

Ambry Genetics
Classification: Likely benign for Hereditary cancer-predisposing syndrome. Last evaluated: 2025-01-31. Review status: criteria provided, single submitter. Criteria: Ambry Variant Classification Scheme 2023. Collection method: clinical testing. Allele origin: germline.

Labcorp Genetics (formerly Invitae), Labcorp
Classification: Uncertain significance. Last evaluated: 2024-06-12. Review status: criteria provided, single submitter. Criteria: Invitae Variant Classification Sherloc (09022015). Collection method: clinical testing. Allele origin: germline.
Comment: This sequence change replaces arginine, which is basic and polar, with leucine, which is neutral and non-polar, at codon 1932 of the POLE protein (p.Arg1932Leu). This variant is not present in population databases (gnomAD no frequency). This variant has not been reported in the literature in individuals affected with POLE-related conditions. Advanced modeling of protein sequence and biophysical properties (such as structural, functional, and spatial information, amino acid conservation, physicochemical variation, residue mobility, and thermodynamic stability) performed at Invitae indicates that this missense variant is not expected to disrupt POLE protein function with a negative predictive value of 80%. In summary, the available evidence is currently insufficient to determine the role of this variant in disease. Therefore, it has been classified as a Variant of Uncertain Significance.

NM_006231.4(POLE):c.5795G>T (p.Arg1932Leu)

Gene: POLE (DNA polymerase epsilon, catalytic subunit; minus strand). Cytogenetic location: 12q24.33.
Variant type: single nucleotide variant.
Coding change: c.5795G>T on transcript NM_006231.4 (MANE Select); coding-DNA position 5795, G replaced by T.
Protein change: p.Arg1932Leu; replaces arginine 1932 with leucine.
Molecular consequence: missense variant.
Genome position (GRCh38, 1-based): chr12:132,635,908, C>A on the plus strand (G>T on the coding strand, the complement: POLE is on the minus strand). VCF-style: chr12-132635908-C-A. GRCh37 (hg19) VCF-style: chr12-133212494-C-A.
Other names: c.5795G>T (NM_006231.2); short protein forms R1932L.
Identifiers: ClinVar variation 3722785 (VCV003722785.3).